The following is an entry in ClinVar:

NM_020745.4(AARS2):c.162T>C (p.His54=)

Gene: AARS2 (alanyl-tRNA synthetase 2, mitochondrial; minus strand). Cytogenetic location: 6p21.1.
Variant type: single nucleotide variant.
Coding change: c.162T>C on transcript NM_020745.4 (MANE Select); coding-DNA position 162, T replaced by C.
Protein change: p.His54=; no amino-acid change (histidine 54 retained).
Molecular consequence: synonymous variant.
Genome position (GRCh38, 1-based): chr6:44,313,162, A>G on the plus strand (T>C on the coding strand, the complement: AARS2 is on the minus strand). VCF-style: chr6-44313162-A-G. GRCh37 (hg19) VCF-style: chr6-44280899-A-G.
Identifiers: ClinVar variation 377396 (VCV000377396.10), dbSNP rs139144637, ClinGen allele CA3834732.

ClinVar aggregate classification (germline): Likely benign. Review status: criteria provided, multiple submitters, no conflicts (2 of 4 stars). 2 submissions from 2 submitters: Likely benign (2). Last evaluated 2024-10-22.

Allele frequency attached by ClinVar (database versions not stated): gnomAD exomes 0.00004 and 0.00009; ExAC 0.00005; gnomAD 0.00005 and 0.00006; TOPMed 0.00005; ESP Exome Variant Server 0.00015.
gnomAD v4.1: 141 of 1,613,094 alleles (0.0087%); highest among the groups gnomAD compares: Non-Finnish European, 0.012%; no homozygotes.

Submissions (2):

Labcorp Genetics (formerly Invitae), Labcorp
Classification: Likely benign. Last evaluated: 2024-10-22. Review status: criteria provided, single submitter. Criteria: Invitae Variant Classification Sherloc (09022015). Collection method: clinical testing. Allele origin: germline.

GeneDx
Classification: Likely benign. Last evaluated: 2016-02-02. Review status: criteria provided, single submitter. Criteria: GeneDx Variant Classification (06012015). Collection method: clinical testing. Allele origin: germline. Affected: yes.
Comment: This variant is considered likely benign or benign based on one or more of the following criteria: it is a conservative change, it occurs at a poorly conserved position in the protein, it is predicted to be benign by multiple in silico algorithms, and/or has population frequency not consistent with disease.